The following is an entry in ClinVar:

NM_004484.4(GPC3):c.1139A>G (p.His380Arg)

Gene: GPC3 (glypican 3; minus strand). Cytogenetic location: Xq26.2.
Variant type: single nucleotide variant.
Coding change: c.1139A>G on transcript NM_004484.4 (MANE Select); coding-DNA position 1139, A replaced by G.
Protein change: p.His380Arg; replaces histidine 380 with arginine.
Molecular consequence: missense variant.
Genome position (GRCh38, 1-based): chrX:133,699,922, T>C on the plus strand (A>G on the coding strand, the complement: GPC3 is on the minus strand). VCF-style: chrX-133699922-T-C. GRCh37 (hg19) VCF-style: chrX-132833950-T-C.
Other names: c.1208A>G, p.His403Arg (NM_001164617.2); c.1091A>G, p.His364Arg (NM_001164618.2); c.977A>G, p.His326Arg (NM_001164619.2); short protein forms H380R, H364R, H403R, H326R.
Identifiers: ClinVar variation 577985 (VCV000577985.11), dbSNP rs1201293547, ClinGen allele CA414699519.
Genomic context (GRCh38, chrX:133,699,922, plus strand): 5'-TATTGTGGAATAAAGAAAAAAGAAACCTCTCACCTTCTTCGGCTGGATAAGGTTTCTTCA[T>C]GTTCTACATGAGCAACTTTTAATACTTTCTTGTCAATAAAGAGATCTTCAGGATAATAAG-3'
Protein context (NP_004475.1, residues 370-390): KKVLKVAHVE[His380Arg]EETLSSRRRE

ClinVar aggregate classification (germline): Uncertain significance (1 of 4 stars; one submission).

Conditions:
Wilms tumor 1 (WT1). Also called: Wilms tumor, somatic. Identifiers: Orphanet 654, MedGen CN033288, MONDO:0008679, OMIM 194070.

gnomAD v4.1: 1 of 1,204,284 alleles (0.000083%); highest among the groups gnomAD compares: Non-Finnish European, 0.00011%; no homozygotes.

Submission:

Labcorp Genetics (formerly Invitae), Labcorp
Classification: Uncertain significance for Wilms tumor 1. Last evaluated: 2024-02-17. Review status: criteria provided, single submitter. Criteria: Invitae Variant Classification Sherloc (09022015). Collection method: clinical testing. Allele origin: germline.
Comment: This sequence change replaces histidine, which is basic and polar, with arginine, which is basic and polar, at codon 380 of the GPC3 protein (p.His380Arg). This variant is not present in population databases (gnomAD no frequency). This variant has not been reported in the literature in individuals affected with GPC3-related conditions. ClinVar contains an entry for this variant (Variation ID: 577985). Advanced modeling of protein sequence and biophysical properties (such as structural, functional, and spatial information, amino acid conservation, physicochemical variation, residue mobility, and thermodynamic stability) performed at Invitae indicates that this missense variant is not expected to disrupt GPC3 protein function with a negative predictive value of 80%. In summary, the available evidence is currently insufficient to determine the role of this variant in disease. Therefore, it has been classified as a Variant of Uncertain Significance.